The following is an entry in ClinVar:

NM_000059.4(BRCA2):c.6058G>C (p.Glu2020Gln)

Gene: BRCA2 (BRCA2 DNA repair associated; plus strand). Cytogenetic location: 13q13.1.
Variant type: single nucleotide variant.
Coding change: c.6058G>C on transcript NM_000059.4 (MANE Select); coding-DNA position 6058, G replaced by C.
Protein change: p.Glu2020Gln; replaces glutamic acid 2020 with glutamine.
Molecular consequence: missense variant. On other transcripts: non-coding transcript variant (1), intron variant (2).
Genome position (GRCh38, 1-based): chr13:32,340,413, G>C. VCF-style: chr13-32340413-G-C. GRCh37 (hg19) VCF-style: chr13-32914550-G-C.
Other names: c.6058G>C, p.Glu2020Gln (NM_001406719.1, NM_001406720.1, NM_001432077.1); c.1910-4145G>C (NM_001406721.1); c.425-4145G>C (NM_001406722.1); short protein forms E2020Q.
Identifiers: ClinVar variation 3482116 (VCV003482116.1).
Genomic context (GRCh38, chr13:32,340,413, plus strand): 5'-TTTTCTGAAATAGAAGATAGTACCAAGCAAGTCTTTTCCAAAGTATTGTTTAAAAGTAAC[G>C]AACATTCAGACCAGCTCACAAGAGAAGAAAATACTGCTATACGTACTCCAGAACATTTAA-3'
Protein context (NP_000050.3, residues 2010-2030): VFSKVLFKSN[Glu2020Gln]HSDQLTREEN

ClinVar aggregate classification (germline): Uncertain significance (1 of 4 stars; one submission).

Conditions:
Hereditary cancer-predisposing syndrome. Also called: Tumor predisposition; Neoplastic Syndromes, Hereditary; Hereditary Cancer Syndrome; Hereditary neoplastic syndrome. Identifiers: Orphanet 140162, MedGen C0027672, MeSH D009386, MONDO:0015356.

gnomAD v4.1: 1 of 1,613,608 alleles (0.000062%); highest among the groups gnomAD compares: South Asian, 0.0011%; no homozygotes.

Submission:

Ambry Genetics
Classification: Uncertain significance for Hereditary cancer-predisposing syndrome. Last evaluated: 2024-10-15. Review status: criteria provided, single submitter. Criteria: Ambry Variant Classification Scheme 2023. Collection method: clinical testing. Allele origin: germline.
Comment: The p.E2020Q variant (also known as c.6058G>C), located in coding exon 10 of the BRCA2 gene, results from a G to C substitution at nucleotide position 6058. The glutamic acid at codon 2020 is replaced by glutamine, an amino acid with highly similar properties. This amino acid position is well conserved in available vertebrate species. In addition, this alteration is predicted to be tolerated by in silico analysis. Based on the available evidence, the clinical significance of this variant remains unclear.